The following is an entry in ClinVar:

ClinVar aggregate classification (germline): Uncertain significance. Review status: criteria provided, multiple submitters, no conflicts (2 of 4 stars). 3 submissions from 3 submitters: Uncertain significance (3). Last evaluated 2025-08-24.

Conditions:
Familial thoracic aortic aneurysm and aortic dissection (TAAD). Also called: Thoracic aortic aneurysms and dissections. Identifiers: Orphanet 91387, MedGen C4707243, MONDO:0019625.
Hereditary cancer-predisposing syndrome. Also called: Neoplastic Syndromes, Hereditary; Hereditary neoplastic syndrome; Tumor predisposition; Hereditary Cancer Syndrome. Identifiers: Orphanet 140162, MedGen C0027672, MeSH D009386, MONDO:0015356.
Juvenile polyposis syndrome (JPS). Identifiers: Orphanet 2929, MedGen C0345893, MONDO:0017380, OMIM 174900.
Juvenile polyposis/hereditary hemorrhagic telangiectasia syndrome (JPHT). Also called: POLYPOSIS, GENERALIZED JUVENILE, WITH PULMONARY ARTERIOVENOUS MALFORMATION; TELANGIECTASIA, HEREDITARY HEMORRHAGIC, WITH JUVENILE POLYPOSIS COLI; Juvenile Polyposis Syndrome / Hereditary Hemorrhagic Telangiectasia (JPS/HHT); JP/HHT SYNDROME; JUVENILE POLYPOSIS WITH HEREDITARY HEMORRHAGIC TELANGIECTASIA. Identifiers: Orphanet 2929, MedGen C1832942, MONDO:0008278, OMIM 175050.

Allele frequency attached by ClinVar (database versions not stated): gnomAD exomes below 0.00001.

Submissions (3):

Ambry Genetics
Classification: Uncertain significance for Hereditary cancer-predisposing syndrome; Familial thoracic aortic aneurysm and aortic dissection. Last evaluated: 2025-08-24. Review status: criteria provided, single submitter. Criteria: Ambry Variant Classification Scheme 2023. Collection method: clinical testing. Allele origin: germline.
Comment: The p.H282Y variant (also known as c.844C>T), located in coding exon 6 of the SMAD4 gene, results from a C to T substitution at nucleotide position 844. The histidine at codon 282 is replaced by tyrosine, an amino acid with similar properties. This amino acid position is conserved. In addition, the in silico prediction for this alteration is inconclusive. Based on the available evidence, the clinical significance of this variant remains unclear.

Baylor Genetics
Classification: Uncertain significance for Juvenile polyposis/hereditary hemorrhagic telangiectasia syndrome. Last evaluated: 2023-05-02. Review status: criteria provided, single submitter. Criteria: ACMG Guidelines, 2015. Collection method: clinical testing. Allele origin: unknown.

Labcorp Genetics (formerly Invitae), Labcorp
Classification: Uncertain significance for Juvenile polyposis syndrome. Last evaluated: 2022-02-20. Review status: criteria provided, single submitter. Criteria: Invitae Variant Classification Sherloc (09022015). Collection method: clinical testing. Allele origin: germline.
Comment: This variant has not been reported in the literature in individuals affected with SMAD4-related conditions. In summary, the available evidence is currently insufficient to determine the role of this variant in disease. Therefore, it has been classified as a Variant of Uncertain Significance. Advanced modeling of protein sequence and biophysical properties (such as structural, functional, and spatial information, amino acid conservation, physicochemical variation, residue mobility, and thermodynamic stability) performed at Invitae indicates that this missense variant is not expected to disrupt SMAD4 protein function. ClinVar contains an entry for this variant (Variation ID: 954869). This variant is not present in population databases (gnomAD no frequency). This sequence change replaces histidine, which is basic and polar, with tyrosine, which is neutral and polar, at codon 282 of the SMAD4 protein (p.His282Tyr).

NM_005359.6(SMAD4):c.844C>T (p.His282Tyr)

Gene: SMAD4 (SMAD family member 4; plus strand). Cytogenetic location: 18q21.2.
Variant type: single nucleotide variant.
Coding change: c.844C>T on transcript NM_005359.6 (MANE Select); coding-DNA position 844, C replaced by T.
Protein change: p.His282Tyr; replaces histidine 282 with tyrosine.
Molecular consequence: missense variant.
Genome position (GRCh38, 1-based): chr18:51,058,396, C>T. VCF-style: chr18-51058396-C-T. GRCh37 (hg19) VCF-style: chr18-48584766-C-T.
Other names: short protein forms H282Y.
Identifiers: ClinVar variation 954869 (VCV000954869.11), dbSNP rs1909902431, ClinGen allele CA402463484.
Genomic context (GRCh38, chr18:51,058,396, plus strand): 5'-TTAGACAGCACTACCACCTGGACTGGAAGTAGGACTGCACCATACACACCTAATTTGCCT[C>T]ACCACCAAAACGGCCATCTTCAGCACCACCCGCCTATGCCGCCCCATCCCGGACATTACT-3'
Protein context (NP_005350.1, residues 272-292): RTAPYTPNLP[His282Tyr]HQNGHLQHHP